The following is an entry in ClinVar:

NM_021784.5(FOXA2):c.413C>T (p.Ser138Phe)

Gene: FOXA2 (forkhead box A2; minus strand). Cytogenetic location: 20p11.21.
Variant type: single nucleotide variant.
Coding change: c.413C>T on transcript NM_021784.5 (MANE Select); coding-DNA position 413, C replaced by T.
Protein change: p.Ser138Phe; replaces serine 138 with phenylalanine.
Molecular consequence: missense variant.
Genome position (GRCh38, 1-based): chr20:22,582,829, G>A on the plus strand (C>T on the coding strand, the complement: FOXA2 is on the minus strand). VCF-style: chr20-22582829-G-A. GRCh37 (hg19) VCF-style: chr20-22563467-G-A.
Other names: c.395C>T, p.Ser132Phe (NM_153675.3); short protein forms S132F, S138F.
Identifiers: ClinVar variation 4774960 (VCV004774960.1).

ClinVar aggregate classification (germline): Uncertain significance (1 of 4 stars; one submission).

Submission:

Labcorp Genetics (formerly Invitae), Labcorp
Classification: Uncertain significance. Last evaluated: 2025-11-29. Review status: criteria provided, single submitter. Criteria: Invitae Variant Classification Sherloc (09022015). Collection method: clinical testing. Allele origin: germline.
Comment: This sequence change replaces serine, which is neutral and polar, with phenylalanine, which is neutral and non-polar, at codon 138 of the FOXA2 protein (p.Ser138Phe). This variant is not present in population databases (gnomAD no frequency). This variant has not been reported in the literature in individuals affected with FOXA2-related conditions. An algorithm developed to predict the effect of missense changes on protein structure and function (PolyPhen-2) suggests that this variant is likely to be disruptive. In summary, the available evidence is currently insufficient to determine the role of this variant in disease. Therefore, it has been classified as a Variant of Uncertain Significance.